The following is an entry in ClinVar:

ClinVar aggregate classification (germline): Uncertain significance. Review status: criteria provided, multiple submitters, no conflicts (2 of 4 stars). 3 submissions from 3 submitters: Uncertain significance (3). Last evaluated 2025-10-13.

Conditions:
Dilated cardiomyopathy 1CC (CMD1CC). Identifiers: Orphanet 154, MedGen C2751084, MONDO:0013147, OMIM 613122.
Hypertrophic cardiomyopathy 20. Identifiers: MedGen C3151267, MONDO:0013477, OMIM 613876.
Cardiovascular phenotype. Identifiers: MedGen CN230736.

gnomAD v4.1: 3 of 1,612,202 alleles (0.00019%); highest among the groups gnomAD compares: Non-Finnish European, 0.00017%; no homozygotes.

Submissions (3):

Labcorp Genetics (formerly Invitae), Labcorp
Classification: Uncertain significance for Dilated cardiomyopathy 1CC; Hypertrophic cardiomyopathy 20. Last evaluated: 2025-10-13. Review status: criteria provided, single submitter. Criteria: Invitae Variant Classification Sherloc (09022015). Collection method: clinical testing. Allele origin: germline.
Comment: This sequence change replaces serine, which is neutral and polar, with alanine, which is neutral and non-polar, at codon 50 of the NEXN protein (p.Ser50Ala). This variant is not present in population databases (gnomAD no frequency). This variant has not been reported in the literature in individuals affected with NEXN-related conditions. ClinVar contains an entry for this variant (Variation ID: 3404554). An algorithm developed to predict the effect of missense changes on protein structure and function (PolyPhen-2) suggests that this variant is likely to be tolerated. In summary, the available evidence is currently insufficient to determine the role of this variant in disease. Therefore, it has been classified as a Variant of Uncertain Significance.

Ambry Genetics
Classification: Uncertain significance for Cardiovascular phenotype. Last evaluated: 2024-07-11. Review status: criteria provided, single submitter. Criteria: Ambry Variant Classification Scheme 2023. Collection method: clinical testing. Allele origin: germline.
Comment: The p.S50A variant (also known as c.148T>G), located in coding exon 2 of the NEXN gene, results from a T to G substitution at nucleotide position 148. The serine at codon 50 is replaced by alanine, an amino acid with similar properties. This amino acid position is conserved. In addition, this alteration is predicted to be tolerated by in silico analysis. Based on the available evidence, the clinical significance of this variant remains unclear.

Blueprint Genetics
Classification: Uncertain significance. Last evaluated: 2022-11-04. Review status: criteria provided, single submitter. Criteria: ACMG Guidelines, 2015. Collection method: clinical testing. Allele origin: germline.

NM_144573.4(NEXN):c.148T>G (p.Ser50Ala)

Gene: NEXN (nexilin F-actin binding protein; plus strand). Cytogenetic location: 1p31.1.
Variant type: single nucleotide variant.
Coding change: c.148T>G on transcript NM_144573.4 (MANE Select); coding-DNA position 148, T replaced by G.
Protein change: p.Ser50Ala; replaces serine 50 with alanine.
Molecular consequence: missense variant. On other transcripts: intron variant (1).
Genome position (GRCh38, 1-based): chr1:77,917,686, T>G. VCF-style: chr1-77917686-T-G. GRCh37 (hg19) VCF-style: chr1-78383371-T-G.
Other names: c.28-274T>G (NM_001172309.2); short protein forms S50A.
Identifiers: ClinVar variation 3404554 (VCV003404554.4).